The following is an entry in ClinVar:

ClinVar aggregate classification (germline): Likely benign (0 of 4 stars; one submission).

Conditions:
MUC16-related disorder. Also called: MUC16-related condition.

Allele frequency attached by ClinVar (database versions not stated): 1000 Genomes Project 0.00020; gnomAD 0.00025; 1000 Genomes Project 30x 0.00078; ExAC 0.00989.

Submission:

PreventionGenetics, part of Exact Sciences
Classification: Likely benign for MUC16-related condition. Last evaluated: 2019-02-20. Review status: no assertion criteria provided. Collection method: clinical testing. Allele origin: germline.
Comment: This variant is classified as likely benign based on ACMG/AMP sequence variant interpretation guidelines (Richards et al. 2015 PMID: 25741868, with internal and published modifications).

NM_001401501.2(MUC16):c.38835G>A (p.Thr12945=)

Gene: MUC16 (mucin 16, cell surface associated; minus strand). Cytogenetic location: 19p13.2.
Variant type: single nucleotide variant.
Coding change: c.38835G>A on transcript NM_001401501.2 (MANE Select); coding-DNA position 38835, G replaced by A.
Protein change: p.Thr12945=; no amino-acid change (threonine 12945 retained).
Molecular consequence: synonymous variant.
Genome position (GRCh38, 1-based): chr19:8,902,119, C>T on the plus strand (G>A on the coding strand, the complement: MUC16 is on the minus strand). VCF-style: chr19-8902119-C-T. GRCh37 (hg19) VCF-style: chr19-9012795-C-T.
Other names: c.39261G>A, p.Thr13087= (NM_001414686.1); c.38715G>A, p.Thr12905= (NM_001414687.1); c.38649G>A, p.Thr12883= (NM_024690.2).
Identifiers: ClinVar variation 3056206 (VCV003056206.2), dbSNP rs574443275, ClinGen allele CA9164463.